The following is an entry in ClinVar:

NM_005159.5(ACTC1):c.3G>A (p.Met1Ile)

Genes: GJD2-DT (GJD2 divergent transcript; plus strand), ACTC1 (actin alpha cardiac muscle 1; minus strand). Cytogenetic location: 15q14.
Variant type: single nucleotide variant.
Coding change: c.3G>A on transcript NM_005159.5 (MANE Select); coding-DNA position 3, G replaced by A.
Protein change: p.Met1Ile; changes the start codon (methionine 1).
Molecular consequence: missense variant, initiator codon variant.
Genome position (GRCh38, 1-based): chr15:34,794,806, C>T on the plus strand (G>A on the coding strand, the complement: ACTC1 is on the minus strand). VCF-style: chr15-34794806-C-T. GRCh37 (hg19) VCF-style: chr15-35087007-C-T.
Other names: c.3G>A, p.Met1Ile (NM_001406482.1, NM_001406483.1); short protein forms M1I.
Identifiers: ClinVar variation 3762787 (VCV003762787.2).

ClinVar aggregate classification (germline): Uncertain significance (1 of 4 stars; one submission).

Conditions:
Atrial septal defect 5 (ASD5). Identifiers: Orphanet 1478, MedGen C2748552, MONDO:0013011, OMIM 612794.
Hypertrophic cardiomyopathy 11. Also called: ACTC1-Related Familial Hypertrophic Cardiomyopathy. Identifiers: MedGen C2677506, MONDO:0012799, OMIM 612098.
Dilated cardiomyopathy 1R (CMD1R). Identifiers: Orphanet 154, Orphanet 54260, MedGen C3150681, MONDO:0013261, OMIM 613424.

Submission:

Labcorp Genetics (formerly Invitae), Labcorp
Classification: Uncertain significance for Dilated cardiomyopathy 1R; Hypertrophic cardiomyopathy 11; Atrial septal defect 5. Last evaluated: 2024-11-28. Review status: criteria provided, single submitter. Criteria: Invitae Variant Classification Sherloc (09022015). Collection method: clinical testing. Allele origin: germline.
Comment: This sequence change affects the initiator methionine of the ACTC1 mRNA. The next in-frame methionine is located at codon 46. This variant is not present in population databases (gnomAD no frequency). This variant has not been reported in the literature in individuals affected with ACTC1-related conditions. Experimental studies and prediction algorithms are not available or were not evaluated, and the functional significance of this variant is currently unknown. In summary, the available evidence is currently insufficient to determine the role of this variant in disease. Therefore, it has been classified as a Variant of Uncertain Significance.